The following is an entry in ClinVar:

ClinVar aggregate classification (germline): Conflicting classifications of pathogenicity. Review status: criteria provided, conflicting classifications (1 of 4 stars). 3 submissions from 3 submitters: Uncertain significance (2); Likely benign (1). Last evaluated 2025-11-13.

Conditions:
PEX6-related disorder. Also called: PEX6-related condition; PEX6-related disorders.
Peroxisome biogenesis disorder. Identifiers: Orphanet 79189, MedGen C1832200, MONDO:0019234. Disease mechanism: loss of function.

Allele frequency attached by ClinVar (database versions not stated): gnomAD 0.00001 and 0.00007; TOPMed 0.00003; ExAC 0.00017; gnomAD exomes 0.00019; 1000 Genomes Project 0.00040; 1000 Genomes Project 30x 0.00047.

Submissions (3):

Labcorp Genetics (formerly Invitae), Labcorp
Classification: Likely benign for Peroxisome biogenesis disorder. Last evaluated: 2025-11-13. Review status: criteria provided, single submitter. Criteria: Invitae Variant Classification Sherloc (09022015). Collection method: clinical testing. Allele origin: germline.

PreventionGenetics, part of Exact Sciences
Classification: Uncertain significance for PEX6-related condition. Last evaluated: 2025-05-15. Review status: criteria provided, single submitter. Criteria: ACMG Guidelines, 2015. Collection method: clinical testing. Allele origin: germline.
Comment: The PEX6 c.2182C>T variant is predicted to result in the amino acid substitution p.Pro728Ser. To our knowledge, this variant has not been reported in the literature. This variant is reported in 0.15% of alleles in individuals of South Asian descent in gnomAD. At this time, the clinical significance of this variant is uncertain due to the absence of conclusive functional and genetic evidence.

Eurofins Ntd Llc (ga)
Classification: Uncertain significance. Last evaluated: 2017-12-13. Review status: criteria provided, single submitter. Criteria: EGL Classification Definitions 2015. Collection method: clinical testing. Allele origin: germline. Observed: 1 variant allele, 1 heterozygote.

NM_000287.4(PEX6):c.2182C>T (p.Pro728Ser)

Gene: PEX6 (peroxisomal biogenesis factor 6; minus strand). Cytogenetic location: 6p21.1.
Variant type: single nucleotide variant.
Coding change: c.2182C>T on transcript NM_000287.4 (MANE Select); coding-DNA position 2182, C replaced by T.
Protein change: p.Pro728Ser; replaces proline 728 with serine.
Molecular consequence: missense variant.
Genome position (GRCh38, 1-based): chr6:42,966,360, G>A on the plus strand (C>T on the coding strand, the complement: PEX6 is on the minus strand). VCF-style: chr6-42966360-G-A. GRCh37 (hg19) VCF-style: chr6-42934098-G-A.
Other names: c.1918C>T, p.Pro640Ser (NM_001316313.2); c.2182C>T (NM_000287.3); short protein forms P728S, P640S.
Identifiers: ClinVar variation 595375 (VCV000595375.12), dbSNP rs577794661, ClinGen allele CA3811105.
Genomic context (GRCh38, chr6:42,966,360, plus strand): 5'-TGCCAGGGGGCCCATGGAGCAGAAGGCCTGAGCGTCTCAGGCCCAGGCTCAGTAGCTCAG[G>A]GTGCTCCAGGGGGAGCTGAATGGTCTCCAGGATCTCCTTCTTCACCTCCTGCAGCCCACC-3'
Protein context (NP_000278.3, residues 718-738): LETIQLPLEH[Pro728Ser]ELLSLGLRRS